The following is an entry in ClinVar:

NM_001042432.2(CLN3):c.676A>G (p.Ser226Gly)

Gene: CLN3 (CLN3 lysosomal/endosomal transmembrane protein, battenin; minus strand). Cytogenetic location: 16p12.1.
Variant type: single nucleotide variant.
Coding change: c.676A>G on transcript NM_001042432.2 (MANE Select); coding-DNA position 676, A replaced by G.
Protein change: p.Ser226Gly; replaces serine 226 with glycine.
Molecular consequence: missense variant.
Genome position (GRCh38, 1-based): chr16:28,486,348, T>C on the plus strand (A>G on the coding strand, the complement: CLN3 is on the minus strand). VCF-style: chr16-28486348-T-C. GRCh37 (hg19) VCF-style: chr16-28497669-T-C.
Other names: c.676A>G, p.Ser226Gly (NM_000086.2); c.604A>G, p.Ser202Gly (NM_001286104.2); c.376A>G, p.Ser126Gly (NM_001286105.2); c.442A>G, p.Ser148Gly (NM_001286109.2); c.514A>G, p.Ser172Gly (NM_001286110.2); short protein forms S226G, S202G, S172G, S148G, S126G.
Identifiers: ClinVar variation 444366 (VCV000444366.47), dbSNP rs1555468695, ClinGen allele CA395345175.

ClinVar aggregate classification (germline): Conflicting classifications of pathogenicity. Review status: criteria provided, conflicting classifications (1 of 4 stars). 3 submissions from 3 submitters: Pathogenic (1); Uncertain significance (2). Last evaluated 2022-06-03.

Conditions:
Neuronal ceroid lipofuscinosis. Also called: Neuronal Ceroid Lipofuscinoses. Identifiers: Orphanet 216, Orphanet 79263, MedGen C0027877, MONDO:0016295. Disease mechanism: loss of function.
Retinitis pigmentosa (RP). Identifiers: Orphanet 791, MedGen C0035334, MeSH D012174, MONDO:0019200, OMIM 268000. Inheritance: Autosomal dominant, autosomal recessive and X linked inheritance.

Allele frequency attached by ClinVar (database versions not stated): gnomAD exomes below 0.00001.
gnomAD v4.1: 1 of 1,612,108 alleles (0.000062%); no homozygotes.

Submissions (3):

Labcorp Genetics (formerly Invitae), Labcorp
Classification: Uncertain significance for Neuronal ceroid lipofuscinosis. Last evaluated: 2022-06-03. Review status: criteria provided, single submitter. Criteria: Invitae Variant Classification Sherloc (09022015). Collection method: clinical testing. Allele origin: germline.
Comment: This sequence change replaces serine, which is neutral and polar, with glycine, which is neutral and non-polar, at codon 226 of the CLN3 protein (p.Ser226Gly). This variant is not present in population databases (gnomAD no frequency). This variant has not been reported in the literature in individuals affected with CLN3-related conditions. ClinVar contains an entry for this variant (Variation ID: 444366). Algorithms developed to predict the effect of missense changes on protein structure and function are either unavailable or do not agree on the potential impact of this missense change (SIFT: "Tolerated"; PolyPhen-2: "Possibly Damaging"; Align-GVGD: "Class C0"). In summary, the available evidence is currently insufficient to determine the role of this variant in disease. Therefore, it has been classified as a Variant of Uncertain Significance.

Molecular Genetics Laboratory, Institute for Ophthalmic Research
Classification: Pathogenic for Retinitis pigmentosa. Last evaluated: 2020-01-09. Review status: criteria provided, single submitter. Criteria: ACMG Guidelines, 2015. Collection method: research. Allele origin: germline. Affected: yes.

CeGaT Center for Human Genetics Tuebingen
Classification: Uncertain significance. Last evaluated: 2017-07-01. Review status: criteria provided, single submitter. Criteria: CeGaT Center For Human Genetics Tuebingen Variant Classification Criteria Version 2. Collection method: clinical testing. Allele origin: germline. Affected: yes. Observed: 1 variant allele.